The following is an entry in ClinVar:

NM_000381.4(MID1):c.1036T>C (p.Ser346Pro)

Gene: MID1 (midline 1; minus strand). Cytogenetic location: Xp22.2.
Variant type: single nucleotide variant.
Coding change: c.1036T>C on transcript NM_000381.4 (MANE Select); coding-DNA position 1036, T replaced by C.
Protein change: p.Ser346Pro; replaces serine 346 with proline.
Molecular consequence: missense variant.
Genome position (GRCh38, 1-based): chrX:10,474,728, A>G on the plus strand (T>C on the coding strand, the complement: MID1 is on the minus strand). VCF-style: chrX-10474728-A-G. GRCh37 (hg19) VCF-style: chrX-10442768-A-G.
Other names: c.1036T>C, p.Ser346Pro (NM_001098624.2, NM_001193277.1, NM_001193279.1 and 2 more transcripts); c.1189T>C, p.Ser397Pro (NM_001193278.1); c.922T>C, p.Ser308Pro (NM_001193280.1, NM_033289.2); short protein forms S308P, S397P, S346P.
Identifiers: ClinVar variation 2121948 (VCV002121948.1), dbSNP rs1160642369, ClinGen allele CA412052661.

ClinVar aggregate classification (germline): Uncertain significance (1 of 4 stars; one submission).

Allele frequency attached by ClinVar (database versions not stated): gnomAD exomes below 0.00001; TOPMed 0.00001.

Submission:

Labcorp Genetics (formerly Invitae), Labcorp
Classification: Uncertain significance. Last evaluated: 2022-06-08. Review status: criteria provided, single submitter. Criteria: Invitae Variant Classification Sherloc (09022015). Collection method: clinical testing. Allele origin: germline.
Comment: This sequence change replaces serine, which is neutral and polar, with proline, which is neutral and non-polar, at codon 346 of the MID1 protein (p.Ser346Pro). This variant is present in population databases (no rsID available, gnomAD 0.009%), including at least one homozygous and/or hemizygous individual. This variant has not been reported in the literature in individuals affected with MID1-related conditions. Algorithms developed to predict the effect of missense changes on protein structure and function are either unavailable or do not agree on the potential impact of this missense change (SIFT: "Deleterious"; PolyPhen-2: "Possibly Damaging"; Align-GVGD: "Class C0"). In summary, the available evidence is currently insufficient to determine the role of this variant in disease. Therefore, it has been classified as a Variant of Uncertain Significance.